The following is an entry in ClinVar:

NM_000278.5(PAX2):c.1021+183T>G

Gene: PAX2 (paired box 2; plus strand). Cytogenetic location: 10q24.31.
Variant type: single nucleotide variant.
Coding change: c.1021+183T>G on transcript NM_000278.5 (MANE Select); 183 bases into the intron after coding-DNA position 1021, T replaced by G.
Molecular consequence: intron variant. On other transcripts: missense variant (1).
Genome position (GRCh38, 1-based): chr10:100,824,932, T>G. VCF-style: chr10-100824932-T-G. GRCh37 (hg19) VCF-style: chr10-102584689-T-G.
Other names: c.1052T>G, p.Met351Arg (NM_003988.5); c.1114+183T>G (NM_001304569.2); c.1090+183T>G (NM_003987.5, NM_003990.5); c.1021+183T>G (NM_003989.5); short protein forms M351R.
Identifiers: ClinVar variation 3757883 (VCV003757883.2).

ClinVar aggregate classification (germline): Uncertain significance (1 of 4 stars; one submission).

Conditions:
Renal coloboma syndrome (PAPRS). Also called: COLOBOMA OF OPTIC NERVE WITH RENAL DISEASE; OPTIC COLOBOMA, VESICOURETERAL REFLUX, AND RENAL ANOMALIES; OPTIC NERVE COLOBOMA WITH RENAL DISEASE; PAPILLORENAL SYNDROME; RENAL-COLOBOMA SYNDROME WITH MACULAR ABNORMALITIES; PAPILLORENAL SYNDROME WITH MILD OCULAR ABNORMALITIES. Identifiers: Orphanet 1475, MedGen C1852759, MONDO:0007352, OMIM 120330.
Focal segmental glomerulosclerosis 7 (FSGS7). Identifiers: Orphanet 656, MedGen C4014925, MONDO:0014451, OMIM 616002.

gnomAD v4.1: 2 of 1,614,138 alleles (0.00012%); highest among the groups gnomAD compares: Non-Finnish European, 0.00017%; no homozygotes.

Submission:

Labcorp Genetics (formerly Invitae), Labcorp
Classification: Uncertain significance for Renal coloboma syndrome; Focal segmental glomerulosclerosis 7. Last evaluated: 2025-01-20. Review status: criteria provided, single submitter. Criteria: Invitae Variant Classification Sherloc (09022015). Collection method: clinical testing. Allele origin: germline.
Comment: This sequence change replaces methionine, which is neutral and non-polar, with arginine, which is basic and polar, at codon 351 of the PAX2 protein (p.Met351Arg). This variant is not present in population databases (gnomAD no frequency). This variant has not been reported in the literature in individuals affected with PAX2-related conditions. Experimental studies and prediction algorithms are not available or were not evaluated, and the functional significance of this variant is currently unknown. In summary, the available evidence is currently insufficient to determine the role of this variant in disease. Therefore, it has been classified as a Variant of Uncertain Significance.